The following is an entry in ClinVar:

NM_001369.3(DNAH5):c.415_416insGAGTAAACAATGGC (p.Ile139fs)

Gene: DNAH5 (dynein axonemal heavy chain 5; minus strand). Cytogenetic location: 5p15.2.
Variant type: Insertion.
Coding change: c.415_416insGAGTAAACAATGGC on transcript NM_001369.3 (MANE Select); coding-DNA positions 415 to 416, GAGTAAACAATGGC inserted.
Protein change: p.Ile139fs; shifts the reading frame from isoleucine 139.
Molecular consequence: frameshift variant.
Genome position: GRCh38 VCF-style: chr5-13923302-A-AGCCATTGTTTACTC. GRCh37 (hg19) VCF-style: chr5-13923411-A-AGCCATTGTTTACTC.
Other names: short protein forms I139fs.
Identifiers: ClinVar variation 1724756 (VCV001724756.2), dbSNP rs2547159909, ClinGen allele CA2580072133.

ClinVar aggregate classification (germline): Likely pathogenic (1 of 4 stars; one submission).

Conditions:
Primary ciliary dyskinesia 3. Identifiers: Orphanet 244, MedGen C1837618, MONDO:0012085, OMIM 608644.

Submission:

Myriad Genetics, Inc.
Classification: Likely pathogenic for Primary ciliary dyskinesia 3. Last evaluated: 2022-02-25. Review status: criteria provided, single submitter. Criteria: Myriad Women's Health Autosomal Recessive and X-Linked Classification Criteria (2021). Collection method: clinical testing. Allele origin: unknown.
Comment: NM_001369.2(DNAH5):c.415_416ins14(I139Rfs*15) is expected to be pathogenic in the context of DNAH5-related primary ciliary dyskinesia. This variant is predicted to lead to an abnormal or absent protein product due to the creation of a premature termination codon in DNAH5, a gene where loss-of-function variants are known to be pathogenic. Please note: this variant was assessed in the context of healthy population screening.